The following is an entry in ClinVar:

ClinVar aggregate classification (germline): Likely pathogenic (1 of 4 stars; one submission).

Conditions:
Progressive sclerosing poliodystrophy (MTDPS4A). Also called: Mitochondrial DNA Depletion Syndrome 4A; Alpers-Huttenlocher Syndrome (AHS); ALPERS PROGRESSIVE INFANTILE POLIODYSTROPHY; NEURONAL DEGENERATION OF CHILDHOOD WITH LIVER DISEASE, PROGRESSIVE; Mitochondrial DNA depletion syndrome 4A (Alpers type); Alpers Syndrome. Identifiers: Orphanet 726, MedGen C0205710, MONDO:0008758, OMIM 203700.

Submission:

Labcorp Genetics (formerly Invitae), Labcorp
Classification: Likely pathogenic for Progressive sclerosing poliodystrophy. Last evaluated: 2024-01-24. Review status: criteria provided, single submitter. Criteria: Invitae Variant Classification Sherloc (09022015). Collection method: clinical testing. Allele origin: germline.
Comment: This sequence change replaces serine, which is neutral and polar, with arginine, which is basic and polar, at codon 933 of the POLG protein (p.Ser933Arg). This variant is not present in population databases (gnomAD no frequency). This missense change has been observed in individuals with clinical features of autosomal recessive POLG-related conditions (PMID: 21880868). ClinVar contains an entry for this variant (Variation ID: 2127454). Advanced modeling of protein sequence and biophysical properties (such as structural, functional, and spatial information, amino acid conservation, physicochemical variation, residue mobility, and thermodynamic stability) performed at Invitae indicates that this missense variant is expected to disrupt POLG protein function with a positive predictive value of 95%. In summary, the currently available evidence indicates that the variant is pathogenic, but additional data are needed to prove that conclusively. Therefore, this variant has been classified as Likely Pathogenic.

Literature cited by the submitters: PubMed 21880868.

NM_002693.3(POLG):c.2797A>C (p.Ser933Arg)

Gene: POLG (DNA polymerase gamma, catalytic subunit; minus strand). Cytogenetic location: 15q26.1.
Variant type: single nucleotide variant.
Coding change: c.2797A>C on transcript NM_002693.3 (MANE Select); coding-DNA position 2797, A replaced by C.
Protein change: p.Ser933Arg; replaces serine 933 with arginine.
Molecular consequence: missense variant.
Genome position (GRCh38, 1-based): chr15:89,320,950, T>G on the plus strand (A>C on the coding strand, the complement: POLG is on the minus strand). VCF-style: chr15-89320950-T-G. GRCh37 (hg19) VCF-style: chr15-89864181-T-G.
Other names: c.2797A>C, p.Ser933Arg (NM_001126131.2); short protein forms S933R.
Identifiers: ClinVar variation 2127454 (VCV002127454.4), dbSNP rs2509217516, ClinGen allele CA393753079.